The following is an entry in ClinVar:

ClinVar aggregate classification (germline): Likely benign. Review status: criteria provided, multiple submitters, no conflicts (2 of 4 stars). 2 submissions from 2 submitters: Likely benign (2). Last evaluated 2025-03-16.

Allele frequency attached by ClinVar (database versions not stated): gnomAD exomes below 0.00001; TOPMed below 0.00001; ExAC 0.00001; gnomAD 0.00001.
gnomAD v4.1: 3 of 1,613,346 alleles (0.00019%); highest among the groups gnomAD compares: Non-Finnish European, 0.00025%; no homozygotes.

Submissions (2):

Labcorp Genetics (formerly Invitae), Labcorp
Classification: Likely benign. Last evaluated: 2025-03-16. Review status: criteria provided, single submitter. Criteria: Invitae Variant Classification Sherloc (09022015). Collection method: clinical testing. Allele origin: germline.

GeneDx
Classification: Likely benign. Last evaluated: 2017-09-11. Review status: criteria provided, single submitter. Criteria: GeneDx Variant Classification (06012015). Collection method: clinical testing. Allele origin: germline. Affected: yes.
Comment: This variant is considered likely benign or benign based on one or more of the following criteria: it is a conservative change, it occurs at a poorly conserved position in the protein, it is predicted to be benign by multiple in silico algorithms, and/or has population frequency not consistent with disease.

NM_006231.4(POLE):c.4729-12G>A

Gene: POLE (DNA polymerase epsilon, catalytic subunit; minus strand). Cytogenetic location: 12q24.33.
Variant type: single nucleotide variant.
Coding change: c.4729-12G>A on transcript NM_006231.4 (MANE Select); 12 bases into the intron before coding-DNA position 4729, G replaced by A.
Molecular consequence: intron variant.
Genome position (GRCh38, 1-based): chr12:132,642,741, C>T on the plus strand (G>A on the coding strand, the complement: POLE is on the minus strand). VCF-style: chr12-132642741-C-T. GRCh37 (hg19) VCF-style: chr12-133219327-C-T.
Identifiers: ClinVar variation 511970 (VCV000511970.8), dbSNP rs765204902, ClinGen allele CA6892728.